The following is an entry in ClinVar:

ClinVar aggregate classification (germline): Uncertain significance (1 of 4 stars; one submission).

Allele frequency attached by ClinVar (database versions not stated): TOPMed below 0.00001.

Submission:

Labcorp Genetics (formerly Invitae), Labcorp
Classification: Uncertain significance. Last evaluated: 2023-02-18. Review status: criteria provided, single submitter. Criteria: Invitae Variant Classification Sherloc (09022015). Collection method: clinical testing. Allele origin: germline.
Comment: This variant has not been reported in the literature in individuals affected with PLEKHM2-related conditions. This sequence change replaces glutamic acid, which is acidic and polar, with glycine, which is neutral and non-polar, at codon 384 of the PLEKHM2 protein (p.Glu384Gly). This variant is not present in population databases (gnomAD no frequency). Algorithms developed to predict the effect of missense changes on protein structure and function output the following: SIFT: "Not Available"; PolyPhen-2: "Benign"; Align-GVGD: "Not Available". The glycine amino acid residue is found in multiple mammalian species, which suggests that this missense change does not adversely affect protein function. In summary, the available evidence is currently insufficient to determine the role of this variant in disease. Therefore, it has been classified as a Variant of Uncertain Significance.

NM_015164.4(PLEKHM2):c.1151A>G (p.Glu384Gly)

Gene: PLEKHM2 (pleckstrin homology and RUN domain containing M2; plus strand). Cytogenetic location: 1p36.21.
Variant type: single nucleotide variant.
Coding change: c.1151A>G on transcript NM_015164.4 (MANE Select); coding-DNA position 1151, A replaced by G.
Protein change: p.Glu384Gly; replaces glutamic acid 384 with glycine.
Molecular consequence: missense variant.
Genome position (GRCh38, 1-based): chr1:15,727,223, A>G. VCF-style: chr1-15727223-A-G. GRCh37 (hg19) VCF-style: chr1-16053718-A-G.
Other names: c.1091A>G, p.Glu364Gly (NM_001410755.1); short protein forms E384G, E364G.
Identifiers: ClinVar variation 2727282 (VCV002727282.3), dbSNP rs2068075631, ClinGen allele CA338585659.